The following is an entry in ClinVar:

ClinVar aggregate classification (germline): Benign. Review status: criteria provided, multiple submitters, no conflicts (2 of 4 stars). 4 submissions from 3 submitters: Benign (4). Last evaluated 2021-05-12.

Conditions:
Autosomal recessive nonsyndromic hearing loss 4 (DFNB4). Also called: FOXI1-Related Pendred Syndrome; KCNJ10-Related Pendred Syndrome; DEAFNESS, AUTOSOMAL RECESSIVE 4, WITH ENLARGED VESTIBULAR AQUEDUCT, DIGENIC; NEUROSENSORY NONSYNDROMIC RECESSIVE DEAFNESS 4; Nonsyndromic enlarged vestibular aqueduct (NSEVA); Deafness, autosomal recessive 4, with enlarged vestibular aqueduct. Identifiers: Orphanet 90636, MedGen C3538946, MONDO:0010933, OMIM 600791.
EAST syndrome (SESAMES). Also called: SEIZURES, SENSORINEURAL DEAFNESS, ATAXIA, IMPAIRED INTELLECTUAL DEVELOPMENT, AND ELECTROLYTE IMBALANCE. Identifiers: Orphanet 199343, MedGen C2748572, MONDO:0013005, OMIM 612780.

Allele frequency attached by ClinVar (database versions not stated): gnomAD exomes 0.50000; TOPMed 0.81935; 1000 Genomes Project 30x 0.85946; 1000 Genomes Project 0.86282.
gnomAD v4.1: 124,578 of 152,136 alleles (82%); highest among the groups gnomAD compares: East Asian, 96%; 51,109 homozygotes.

Submissions (4):

GeneDx
Classification: Benign. Last evaluated: 2021-05-12. Review status: criteria provided, single submitter. Criteria: GeneDx Variant Classification Process June 2021. Collection method: clinical testing. Allele origin: germline. Affected: yes.

Illumina Laboratory Services, Illumina
Classification: Benign for EAST syndrome. Last evaluated: 2018-01-13. Review status: criteria provided, single submitter. Criteria: ICSL Variant Classification Criteria 13 December 2019. Collection method: clinical testing. Allele origin: germline.
Comment: This variant was observed in the ICSL laboratory as part of a predisposition screen in an ostensibly healthy population. It had not been previously curated by ICSL or reported in the Human Gene Mutation Database (HGMD: prior to June 1st, 2018), and was therefore a candidate for classification through an automated scoring system. Utilizing variant allele frequency, disease prevalence and penetrance estimates, and inheritance mode, an automated score was calculated to assess if this variant is too frequent to cause the disease. Based on the score and internal cut-off values, a variant classified as benign is not then subjected to further curation. The score for this variant resulted in a classification of benign for this disease.

Illumina Laboratory Services, Illumina
Classification: Benign for Autosomal recessive nonsyndromic hearing loss 4. Last evaluated: 2018-01-13. Review status: criteria provided, single submitter. Criteria: ICSL Variant Classification Criteria 13 December 2019. Collection method: clinical testing. Allele origin: germline.
Comment: the same text as in the submission from Illumina Laboratory Services, Illumina above.

Breakthrough Genomics
Classification: Benign. Review status: criteria provided, single submitter. Criteria: ACMG Guidelines, 2015. Collection method: not provided. Allele origin: germline. Inheritance: Autosomal recessive inheritance. Affected: yes.

NM_002241.5(KCNJ10):c.*1764T>G

Gene: KCNJ10 (potassium inwardly rectifying channel subfamily J member 10; minus strand). Cytogenetic location: 1q23.2.
Variant type: single nucleotide variant.
Coding change: c.*1764T>G on transcript NM_002241.5 (MANE Select); 1764 bases downstream of the stop codon, T replaced by G.
Molecular consequence: 3 prime UTR variant.
Genome position (GRCh38, 1-based): chr1:160,039,629, A>C on the plus strand (T>G on the coding strand, the complement: KCNJ10 is on the minus strand). VCF-style: chr1-160039629-A-C. GRCh37 (hg19) VCF-style: chr1-160009419-A-C.
Identifiers: ClinVar variation 293102 (VCV000293102.8), dbSNP rs2486253, ClinGen allele CA10607909.
Genomic context (GRCh38, chr1:160,039,629, plus strand): 5'-AGAAGGTAATGGTGGGGTTTACTGTAGATGGACACCGAAGGGTCTTTGTTTTCAAGATAT[A>C]GTTAGTTGAGTTCGAGGAGAGATCAATATAACAAGACCTTGTGCAATTATAGTTGGTGGT-3'